The following is an entry in ClinVar:

ClinVar aggregate classification (germline): Conflicting classifications of pathogenicity. Review status: criteria provided, conflicting classifications (1 of 4 stars). 2 submissions from 2 submitters: Uncertain significance (1); Likely benign (1). Last evaluated 2026-04-21.

Conditions:
PKD1-related disorder. Also called: PKD1-related condition.

gnomAD v4.1: 109 of 1,594,222 alleles (0.0068%); highest among the groups gnomAD compares: African/African-American, 0.1%; no homozygotes.

Submissions (2):

Women's Health and Genetics/Laboratory Corporation of America, LabCorp
Classification: Uncertain significance. Last evaluated: 2026-04-21. Review status: criteria provided, single submitter. Criteria: LabCorp Variant Classification Summary - May 2015. Collection method: clinical testing. Allele origin: germline.
Comment: Variant summary: PKD1 c.12877C>T (p.Arg4293Trp) results in a non-conservative amino acid change in the encoded protein sequence. Algorithms developed to predict the effect of missense changes on protein structure and function are either unavailable or do not agree on the potential impact of this missense change. The variant allele was found at a frequency of 0.0001 in 210204 control chromosomes. This frequency is not significantly higher than estimated for disease-causing variants in PKD1, allowing no conclusion about variant significance. To our knowledge, no occurrence of c.12877C>T in individuals affected with PKD1-related conditions and no experimental evidence demonstrating its impact on protein function have been reported. No submitters have cited clinical-significance assessments for this variant to ClinVar. Based on the evidence outlined above, the variant was classified as uncertain significance.

PreventionGenetics, part of Exact Sciences
Classification: Likely benign for PKD1-related condition. Last evaluated: 2025-11-26. Review status: criteria provided, single submitter. Criteria: ACMG Guidelines, 2015. Collection method: clinical testing. Allele origin: germline.
Comment: This variant is classified as likely benign based on ACMG/AMP sequence variant interpretation guidelines (Richards et al. 2015 PMID: 25741868, with internal and published modifications).

NM_001009944.3(PKD1):c.12877C>T (p.Arg4293Trp)

Gene: PKD1 (polycystin 1, transient receptor potential channel interacting; minus strand). Cytogenetic location: 16p13.3.
Variant type: single nucleotide variant.
Coding change: c.12877C>T on transcript NM_001009944.3 (MANE Select); coding-DNA position 12877, C replaced by T.
Protein change: p.Arg4293Trp; replaces arginine 4293 with tryptophan.
Molecular consequence: missense variant.
Genome position (GRCh38, 1-based): chr16:2,089,762, G>A on the plus strand (C>T on the coding strand, the complement: PKD1 is on the minus strand). VCF-style: chr16-2089762-G-A. GRCh37 (hg19) VCF-style: chr16-2139763-G-A.
Other names: c.12874C>T, p.Arg4292Trp (NM_000296.4); short protein forms R4292W, R4293W.
Identifiers: ClinVar variation 4848337 (VCV004848337.2).